The following is an entry in ClinVar:

ClinVar aggregate classification (germline): Uncertain significance (1 of 4 stars; one submission).

Submission:

Labcorp Genetics (formerly Invitae), Labcorp
Classification: Uncertain significance. Last evaluated: 2021-08-23. Review status: criteria provided, single submitter. Criteria: Invitae Variant Classification Sherloc (09022015). Collection method: clinical testing. Allele origin: germline.
Comment: Algorithms developed to predict the effect of missense changes on protein structure and function (SIFT, PolyPhen-2, Align-GVGD) all suggest that this variant is likely to be tolerated. This variant has not been reported in the literature in individuals affected with KIF2A-related conditions. This variant is not present in population databases (ExAC no frequency). This sequence change replaces proline with serine at codon 80 of the KIF2A protein (p.Pro80Ser). The proline residue is moderately conserved and there is a moderate physicochemical difference between proline and serine. In summary, the available evidence is currently insufficient to determine the role of this variant in disease. Therefore, it has been classified as a Variant of Uncertain Significance.

NM_001098511.3(KIF2A):c.238C>T (p.Pro80Ser)

Gene: KIF2A (kinesin family member 2A; plus strand). Cytogenetic location: 5q12.1.
Variant type: single nucleotide variant.
Coding change: c.238C>T on transcript NM_001098511.3 (MANE Select); coding-DNA position 238, C replaced by T.
Protein change: p.Pro80Ser; replaces proline 80 with serine.
Molecular consequence: missense variant.
Genome position (GRCh38, 1-based): chr5:62,348,126, C>T. VCF-style: chr5-62348126-C-T. GRCh37 (hg19) VCF-style: chr5-61643953-C-T.
Other names: c.157C>T, p.Pro53Ser (NM_001243952.2); c.238C>T, p.Pro80Ser (NM_001243953.2, NM_004520.5); short protein forms P53S, P80S.
Identifiers: ClinVar variation 1514684 (VCV001514684.6), dbSNP rs1747669841, ClinGen allele CA359948563.